The following is an entry in ClinVar:

ClinVar aggregate classification (germline): Benign/Likely benign. Review status: criteria provided, multiple submitters, no conflicts (2 of 4 stars). 3 submissions from 3 submitters: Benign (2); Likely benign (1). Last evaluated 2026-05-01.

gnomAD v4.1: 925 of 1,611,484 alleles (0.057%); highest among the groups gnomAD compares: African/African-American, 1.1%; 28 homozygotes.

Submissions (3):

CeGaT Center for Human Genetics Tuebingen
Classification: Benign. Last evaluated: 2026-05-01. Review status: criteria provided, single submitter. Criteria: CeGaT Center For Human Genetics Tuebingen Variant Classification Criteria Version 2. Collection method: clinical testing. Allele origin: germline. Affected: yes. Observed: 1 variant allele.
Comment: CFHR4: BS1, BS2

Women's Health and Genetics/Laboratory Corporation of America, LabCorp
Classification: Benign. Last evaluated: 2026-01-28. Review status: criteria provided, single submitter. Criteria: LabCorp Variant Classification Summary - May 2015. Collection method: clinical testing. Allele origin: germline.
Comment: Variant summary: CFHR4 c.1180+4A>C alters a conserved nucleotide located close to a canonical splice site and therefore could affect mRNA splicing, leading to a significantly altered protein sequence. Several computational tools predict a significant impact on normal splicing: Three predict the variant abolishes a 5' splicing donor site. Two predict the variant weakens a 5' donor site. However, these predictions have yet to be confirmed by functional studies. The variant allele was found at a frequency of 0.00088 in 246612 control chromosomes, predominantly at a frequency of 0.012 within the African or African-American subpopulation in the gnomAD database, including 11 homozygotes. The observed variant frequency within African or African-American control individuals in the gnomAD database exceeds the estimated maximal expected allele frequency for disease-causing variants in CFHR4. To our knowledge, no occurrence of c.1180+4A>C in individuals affected with CFHR4-related conditions and no experimental evidence demonstrating its impact on protein function have been reported. ClinVar contains an entry for this variant (Variation ID: 4684001). Based on the evidence outlined above, the variant was classified as benign.

Mayo Clinic Laboratories, Mayo Clinic
Classification: Likely benign. Last evaluated: 2025-11-19. Review status: criteria provided, single submitter. Criteria: ACMG Guidelines, 2015. Collection method: clinical testing. Allele origin: germline. Observed: 11 variant alleles.
Comment: BS1

NM_001201550.3(CFHR4):c.1180+4A>C

Gene: CFHR4 (complement factor H related 4; plus strand). Cytogenetic location: 1q31.3.
Variant type: single nucleotide variant.
Coding change: c.1180+4A>C on transcript NM_001201550.3 (MANE Select); 4 bases into the intron after coding-DNA position 1180, A replaced by C.
Molecular consequence: intron variant.
Genome position (GRCh38, 1-based): chr1:196,912,926, A>C. VCF-style: chr1-196912926-A-C. GRCh37 (hg19) VCF-style: chr1-196882056-A-C.
Other names: p.?; c.439+4A>C (NM_006684.5); c.1177+4A>C (NM_001201551.2).
Identifiers: ClinVar variation 4684001 (VCV004684001.4).